The following is an entry in ClinVar:

NM_001283009.2(RTEL1):c.2146G>A (p.Ala716Thr)

Genes: RTEL1 (regulator of telomere elongation helicase 1; plus strand), RTEL1-TNFRSF6B (RTEL1-TNFRSF6B readthrough (NMD candidate); plus strand). Cytogenetic location: 20q13.33.
Variant type: single nucleotide variant.
Coding change: c.2146G>A on transcript NM_001283009.2 (MANE Select); coding-DNA position 2146, G replaced by A.
Protein change: p.Ala716Thr; replaces alanine 716 with threonine.
Molecular consequence: missense variant. On other transcripts: non-coding transcript variant (1).
Genome position (GRCh38, 1-based): chr20:63,690,091, G>A. VCF-style: chr20-63690091-G-A. GRCh37 (hg19) VCF-style: chr20-62321444-G-A.
Other names: c.1477G>A, p.Ala493Thr (NM_001283010.1); c.2146G>A, p.Ala716Thr (NM_016434.4); c.2218G>A, p.Ala740Thr (NM_032957.5); short protein forms A493T, A716T, A740T.
Identifiers: ClinVar variation 732833 (VCV000732833.24), dbSNP rs200003693, ClinGen allele CA9965208.

ClinVar aggregate classification (germline): Benign/Likely benign. Review status: criteria provided, multiple submitters, no conflicts (2 of 4 stars). 6 submissions from 6 submitters: Benign (1); Likely benign (3). 2 of the submissions do not count toward it. Last evaluated 2025-12-23.

Conditions:
Dyskeratosis congenita. Identifiers: Orphanet 1775, MedGen C0265965, MONDO:0015780.
Dyskeratosis congenita, autosomal recessive 5 (DKCB5). Identifiers: MedGen C3554656, MONDO:0014076, OMIM 615190.
Pulmonary fibrosis and/or bone marrow failure, Telomere-related, 3. Also called: PULMONARY FIBROSIS AND/OR BONE MARROW FAILURE SYNDROME, TELOMERE-RELATED, 3. Identifiers: Orphanet 2032, MedGen C4225346, MONDO:0014613, OMIM 616373.
RTEL1-related disorder. Also called: RTEL1-related disorders; RTEL1-related condition.
Inborn genetic diseases. Identifiers: MedGen C0950123, MeSH D030342.

Allele frequency attached by ClinVar (database versions not stated): ESP Exome Variant Server 0.00008; TOPMed 0.00008; gnomAD 0.00030 and 0.00032; gnomAD exomes 0.00045; ExAC 0.00057.
gnomAD v4.1: 409 of 1,610,854 alleles (0.025%); highest among the groups gnomAD compares: Non-Finnish European, 0.014%; 3 homozygotes.

Submissions (6):

Labcorp Genetics (formerly Invitae), Labcorp
Classification: Benign for Dyskeratosis congenita, autosomal recessive 5; Pulmonary fibrosis and/or bone marrow failure, Telomere-related, 3. Last evaluated: 2025-12-23. Review status: criteria provided, single submitter. Criteria: Invitae Variant Classification Sherloc (09022015). Collection method: clinical testing. Allele origin: germline.

CeGaT Center for Human Genetics Tuebingen
Classification: Likely benign. Last evaluated: 2025-04-01. Review status: criteria provided, single submitter. Criteria: CeGaT Center For Human Genetics Tuebingen Variant Classification Criteria Version 2. Collection method: clinical testing. Allele origin: germline. Affected: yes. Observed: 1 variant allele.
Comment: RTEL1: BP4

Blueprint Genetics
Classification: Likely benign. Last evaluated: 2024-08-13. Review status: criteria provided, single submitter. Criteria: ACMG Guidelines, 2015. Collection method: clinical testing. Allele origin: germline.

Ambry Genetics
Classification: Likely benign for Inborn genetic diseases. Last evaluated: 2022-01-17. Review status: criteria provided, single submitter. Criteria: Ambry Variant Classification Scheme 2023. Collection method: clinical testing. Allele origin: germline.

PreventionGenetics, part of Exact Sciences
Classification: Benign for RTEL1-related condition. Last evaluated: 2022-06-14. Review status: no assertion criteria provided. Collection method: clinical testing. Allele origin: germline. Not counted in ClinVar's aggregate classification.
Comment: This variant is classified as benign based on ACMG/AMP sequence variant interpretation guidelines (Richards et al. 2015 PMID: 25741868, with internal and published modifications).

Natera, Inc.
Classification: Uncertain significance for Dyskeratosis congenita. Last evaluated: 2020-01-17. Review status: no assertion criteria provided. Collection method: clinical testing. Allele origin: germline. Not counted in ClinVar's aggregate classification.